The following is an entry in ClinVar:

NM_005614.4(RHEB):c.463-1G>C

Gene: RHEB (Ras homolog, mTORC1 binding; minus strand). Cytogenetic location: 7q36.1.
Variant type: single nucleotide variant.
Coding change: c.463-1G>C on transcript NM_005614.4 (MANE Select); the canonical splice acceptor site of the intron before coding-DNA position 463, G replaced by C.
Molecular consequence: splice acceptor variant.
Genome position (GRCh38, 1-based): chr7:151,467,212, C>G on the plus strand (G>C on the coding strand, the complement: RHEB is on the minus strand). VCF-style: chr7-151467212-C-G. GRCh37 (hg19) VCF-style: chr7-151164298-C-G.
Identifiers: ClinVar variation 5018246 (VCV005018246.1).

ClinVar aggregate classification (germline): Uncertain significance (1 of 4 stars; one submission).

Submission:

GeneDx
Classification: Uncertain significance. Last evaluated: 2026-04-05. Review status: criteria provided, single submitter. Criteria: GeneDx Variant Classification Process June 2021. Collection method: clinical testing. Allele origin: germline.
Comment: Not observed at significant frequency in large population cohorts (gnomAD); Has not been previously published as pathogenic or benign to our knowledge; Canonical splice site variant in a gene for which loss of function is not a known mechanism of disease